The following is an entry in ClinVar:

NM_001164508.2(NEB):c.7851C>A (p.Thr2617=)

Gene: NEB (nebulin; minus strand). Cytogenetic location: 2q23.3.
Variant type: single nucleotide variant.
Coding change: c.7851C>A on transcript NM_001164508.2 (MANE Select); coding-DNA position 7851, C replaced by A.
Protein change: p.Thr2617=; no amino-acid change (threonine 2617 retained).
Molecular consequence: synonymous variant.
Genome position (GRCh38, 1-based): chr2:151,643,923, G>T on the plus strand (C>A on the coding strand, the complement: NEB is on the minus strand). VCF-style: chr2-151643923-G-T. GRCh37 (hg19) VCF-style: chr2-152500437-G-T.
Other names: c.7851C>A, p.Thr2617= (NM_001164507.2, NM_001271208.2, NM_004543.5).
Identifiers: ClinVar variation 514861 (VCV000514861.8), dbSNP rs1553982484, ClinGen allele CA429231504.

ClinVar aggregate classification (germline): Likely benign. Review status: criteria provided, multiple submitters, no conflicts (2 of 4 stars). 2 submissions from 2 submitters: Likely benign (2). Last evaluated 2023-10-16.

Conditions:
Nemaline myopathy 2 (NEM2). Also called: Nemaline myopathy 2, autosomal recessive. Identifiers: MedGen C1850569, MONDO:0009725, OMIM 256030.

Allele frequency attached by ClinVar (database versions not stated): TOPMed below 0.00001.
gnomAD v4.1: 1 of 1,613,948 alleles (0.000062%); highest among the groups gnomAD compares: Non-Finnish European, 0.000085%; no homozygotes.

Submissions (2):

Labcorp Genetics (formerly Invitae), Labcorp
Classification: Likely benign for Nemaline myopathy 2. Last evaluated: 2023-10-16. Review status: criteria provided, single submitter. Criteria: Invitae Variant Classification Sherloc (09022015). Collection method: clinical testing. Allele origin: germline.

GeneDx
Classification: Likely benign. Last evaluated: 2018-01-22. Review status: criteria provided, single submitter. Criteria: GeneDx Variant Classification (06012015). Collection method: clinical testing. Allele origin: germline. Affected: yes.
Comment: This variant is considered likely benign or benign based on one or more of the following criteria: it is a conservative change, it occurs at a poorly conserved position in the protein, it is predicted to be benign by multiple in silico algorithms, and/or has population frequency not consistent with disease.